The following is an entry in ClinVar:

ClinVar aggregate classification (germline): Uncertain significance (1 of 4 stars; one submission).

Allele frequency attached by ClinVar (database versions not stated): 1000 Genomes Project 30x 0.00016.

Submission:

Labcorp Genetics (formerly Invitae), Labcorp
Classification: Uncertain significance. Last evaluated: 2024-01-02. Review status: criteria provided, single submitter. Criteria: Invitae Variant Classification Sherloc (09022015). Collection method: clinical testing. Allele origin: germline.
Comment: This sequence change replaces glutamine, which is neutral and polar, with arginine, which is basic and polar, at codon 199 of the CDH23 protein (p.Gln199Arg). This variant is not present in population databases (gnomAD no frequency). This variant has not been reported in the literature in individuals affected with CDH23-related conditions. ClinVar contains an entry for this variant (Variation ID: 1470548). Advanced modeling of protein sequence and biophysical properties (such as structural, functional, and spatial information, amino acid conservation, physicochemical variation, residue mobility, and thermodynamic stability) performed at Invitae indicates that this missense variant is not expected to disrupt CDH23 protein function with a negative predictive value of 95%. In summary, the available evidence is currently insufficient to determine the role of this variant in disease. Therefore, it has been classified as a Variant of Uncertain Significance.

NM_022124.6(CDH23):c.596A>G (p.Gln199Arg)

Gene: CDH23 (cadherin related 23; plus strand). Cytogenetic location: 10q22.1.
Variant type: single nucleotide variant.
Coding change: c.596A>G on transcript NM_022124.6 (MANE Select); coding-DNA position 596, A replaced by G.
Protein change: p.Gln199Arg; replaces glutamine 199 with arginine.
Molecular consequence: missense variant.
Genome position (GRCh38, 1-based): chr10:71,566,908, A>G. VCF-style: chr10-71566908-A-G. GRCh37 (hg19) VCF-style: chr10-73326665-A-G.
Other names: c.596A>G, p.Gln199Arg (NM_001171930.2, NM_001171931.2, NM_001171932.2 and 1 more transcripts); short protein forms Q199R.
Identifiers: ClinVar variation 1470548 (VCV001470548.6), dbSNP rs2132358978, ClinGen allele CA377112248.